The following is an entry in ClinVar:

ClinVar aggregate classification (germline): Uncertain significance (1 of 4 stars; one submission).

Submission:

GeneDx
Classification: Uncertain significance. Last evaluated: 2026-02-19. Review status: criteria provided, single submitter. Criteria: GeneDx Variant Classification Process June 2021. Collection method: clinical testing. Allele origin: germline.
Comment: Not observed at significant frequency in large population cohorts (gnomAD); In silico analysis supports that this missense variant has a deleterious effect on protein structure/function; Has not been previously published as pathogenic or benign to our knowledge

NM_001393769.1(MED12L):c.4033C>G (p.His1345Asp)

Genes: MED12L (mediator complex subunit 12L; plus strand), P2RY12 (purinergic receptor P2Y12; minus strand). Cytogenetic location: 3q25.1.
Variant type: single nucleotide variant.
Coding change: c.4033C>G on transcript NM_001393769.1 (MANE Select); coding-DNA position 4033, C replaced by G.
Protein change: p.His1345Asp; replaces histidine 1345 with aspartic acid.
Molecular consequence: missense variant. On other transcripts: intron variant (1).
Genome position (GRCh38, 1-based): chr3:151,376,194, C>G. VCF-style: chr3-151376194-C-G. GRCh37 (hg19) VCF-style: chr3-151093982-C-G.
Other names: c.3928C>G, p.His1310Asp (NM_053002.6); c.-180+8498G>C (NM_022788.5); short protein forms H1310D, H1345D.
Identifiers: ClinVar variation 4976234 (VCV004976234.1).